The following is an entry in ClinVar:

NM_004446.3(EPRS1):c.349T>A (p.Leu117Met)

Gene: EPRS1 (glutamyl-prolyl-tRNA synthetase 1; minus strand). Cytogenetic location: 1q41.
Variant type: single nucleotide variant.
Coding change: c.349T>A on transcript NM_004446.3 (MANE Select); coding-DNA position 349, T replaced by A.
Protein change: p.Leu117Met; replaces leucine 117 with methionine.
Molecular consequence: missense variant.
Genome position (GRCh38, 1-based): chr1:220,033,541, A>T on the plus strand (T>A on the coding strand, the complement: EPRS1 is on the minus strand). VCF-style: chr1-220033541-A-T. GRCh37 (hg19) VCF-style: chr1-220206883-A-T.
Other names: short protein forms L117M.
Identifiers: ClinVar variation 2997040 (VCV002997040.3), dbSNP rs1662123902, ClinGen allele CA344638869.
Genomic context (GRCh38, chr1:220,033,541, plus strand): 5'-ATTATTAAGAATTATTGATACCTTTTAGGGTGGCCCAAACACATAAATCTGCTAAACTCA[A>T]GGAGTTTCCAACTAAGTATGTTCTCAGAGACAGGCAATGATTGAGTTCATTAATTGTAGA-3'
Protein context (NP_004437.2, residues 107-127): SLRTYLVGNS[Leu117Met]SLADLCVWAT

ClinVar aggregate classification (germline): Uncertain significance (1 of 4 stars; one submission).

Allele frequency attached by ClinVar (database versions not stated): TOPMed below 0.00001; gnomAD 0.00001.
gnomAD v4.1: 1 of 1,612,114 alleles (0.000062%); highest among the groups gnomAD compares: South Asian, 0.0011%; no homozygotes.

Submission:

Labcorp Genetics (formerly Invitae), Labcorp
Classification: Uncertain significance. Last evaluated: 2023-06-14. Review status: criteria provided, single submitter. Criteria: Invitae Variant Classification Sherloc (09022015). Collection method: clinical testing. Allele origin: germline.
Comment: This variant has not been reported in the literature in individuals affected with EPRS-related conditions. This sequence change replaces leucine, which is neutral and non-polar, with methionine, which is neutral and non-polar, at codon 117 of the EPRS protein (p.Leu117Met). This variant is not present in population databases (gnomAD no frequency). An algorithm developed to predict the effect of missense changes on protein structure and function (PolyPhen-2) suggests that this variant is likely to be tolerated. In summary, the available evidence is currently insufficient to determine the role of this variant in disease. Therefore, it has been classified as a Variant of Uncertain Significance.